The following is an entry in ClinVar:

NM_000396.4(CTSK):c.827del (p.His276fs)

Gene: CTSK (cathepsin K; minus strand). Cytogenetic location: 1q21.3.
Variant type: Deletion.
Coding change: c.827del on transcript NM_000396.4 (MANE Select); coding-DNA position 827, one base deleted (A; older notation c.827delA).
Protein change: p.His276fs; shifts the reading frame from histidine 276.
Molecular consequence: frameshift variant.
Genome position (GRCh38, 1-based): chr1:150,799,231, T deleted on the plus strand (A on the coding strand, the reverse complement: CTSK is on the minus strand). VCF-style (leftmost placement, unchanged base first): chr1-150799230-AT-A. GRCh37 (hg19) VCF-style: chr1-150771706-AT-A.
Other names: short protein forms H276fs.
Identifiers: ClinVar variation 4818307 (VCV004818307.1).
Genomic context (GRCh38, chr1:150,799,230, plus strand): 5'-GTTTTTAATTATCCAGTGCTTGTTTCCCTTCTGGATTCCATATCCCACTGCCAAAACTGC[AT>A]GGTTCAGATTATCGCTATTGCAGCTTTCATCATAATACACACCTAGAATACAAACTACCA-3'

ClinVar aggregate classification (germline): Likely pathogenic (1 of 4 stars; one submission).

Conditions:
Pyknodysostosis. Also called: Pycnodysostosis. Identifiers: Orphanet 763, MedGen C0238402, MONDO:0009940, OMIM 265800.

Submission:

Natera, Inc.
Classification: Likely pathogenic for Pyknodysostosis. Last evaluated: 2026-01-29. Review status: criteria provided, single submitter. Criteria: Natera Variant Classification Schema (03/2026). Collection method: clinical testing. Allele origin: germline.
Comment: The c.827del variant in CTSK is a frameshift variant predicted to shift the reading frame beginning at codon 276 and leads to a stop codon 18 codons downstream. This variant is expected to result in nonsense mediated decay, truncation, or a dysfunctional protein product. This variant is rare in the general population with a frequency below the threshold expected for the associated phenotype(s). Given the available evidence, this variant is classified as Likely Pathogenic.